The following is an entry in ClinVar:

ClinVar aggregate classification (germline): Uncertain significance (1 of 4 stars; one submission).

Conditions:
Combined immunodeficiency due to DOCK8 deficiency (HIES2). Also called: HIES autosomal recessive; DOCK8 Deficiency; Hyper-IgE recurrent infection syndrome, autosomal recessive; HYPER-IgE RECURRENT INFECTION SYNDROME 2, AUTOSOMAL RECESSIVE; HYPER-IgE SYNDROME 2, AUTOSOMAL RECESSIVE, WITH RECURRENT INFECTIONS. Identifiers: Orphanet 217390, MedGen C4722305, MONDO:0009478, OMIM 243700.

gnomAD v4.1: 1 of 1,614,228 alleles (0.000062%); no homozygotes.

Submission:

Labcorp Genetics (formerly Invitae), Labcorp
Classification: Uncertain significance for Combined immunodeficiency due to DOCK8 deficiency. Last evaluated: 2025-11-03. Review status: criteria provided, single submitter. Criteria: Invitae Variant Classification Sherloc (09022015). Collection method: clinical testing. Allele origin: germline.
Comment: This sequence change replaces alanine, which is neutral and non-polar, with serine, which is neutral and polar, at codon 1260 of the DOCK8 protein (p.Ala1260Ser). This variant is not present in population databases (gnomAD no frequency). This variant has not been reported in the literature in individuals affected with DOCK8-related conditions. ClinVar contains an entry for this variant (Variation ID: 2192262). Invitae Evidence Modeling of protein sequence and biophysical properties (such as structural, functional, and spatial information, amino acid conservation, physicochemical variation, residue mobility, and thermodynamic stability) indicates that this missense variant is expected to disrupt DOCK8 protein function with a positive predictive value of 80%. In summary, the available evidence is currently insufficient to determine the role of this variant in disease. Therefore, it has been classified as a Variant of Uncertain Significance.

NM_203447.4(DOCK8):c.3778G>T (p.Ala1260Ser)

Gene: DOCK8 (dedicator of cytokinesis 8; plus strand). Cytogenetic location: 9p24.3.
Variant type: single nucleotide variant.
Coding change: c.3778G>T on transcript NM_203447.4 (MANE Select); coding-DNA position 3778, G replaced by T.
Protein change: p.Ala1260Ser; replaces alanine 1260 with serine.
Molecular consequence: missense variant.
Genome position (GRCh38, 1-based): chr9:418,145, G>T. VCF-style: chr9-418145-G-T. GRCh37 (hg19) VCF-style: chr9-418145-G-T.
Other names: c.3478G>T, p.Ala1160Ser (NM_001190458.2); c.3574G>T, p.Ala1192Ser (NM_001193536.2); short protein forms A1260S, A1192S, A1160S.
Identifiers: ClinVar variation 2192262 (VCV002192262.4), dbSNP rs1412410000, ClinGen allele CA372762281.
Genomic context (GRCh38, chr9:418,145, plus strand): 5'-TACCGCACCAGTGGCTCGGATGAAGAACAAGAAGGAGCCGGTGCCATTAACCAGAATGTG[G>T]CTCTGGCCATAGCAGGGAATAATTTCAATTTGAAAACAAGTGGAATAGTGCTGTCTTCCT-3'
Protein context (NP_982272.2, residues 1250-1270): EGAGAINQNV[Ala1260Ser]LAIAGNNFNL